The following is an entry in ClinVar:

NM_001379500.1(COL18A1):c.2031+5G>A

Gene: COL18A1 (collagen type XVIII alpha 1 chain; plus strand). Cytogenetic location: 21q22.3.
Variant type: single nucleotide variant.
Coding change: c.2031+5G>A on transcript NM_001379500.1 (MANE Select); 5 bases into the intron after coding-DNA position 2031, G replaced by A.
Molecular consequence: intron variant.
Genome position (GRCh38, 1-based): chr21:45,490,351, G>A. VCF-style: chr21-45490351-G-A. GRCh37 (hg19) VCF-style: chr21-46910265-G-A.
Other names: c.3276+5G>A (NM_130444.3); c.2571+5G>A (NM_030582.4).
Identifiers: ClinVar variation 1392052 (VCV001392052.6), dbSNP rs1323500892, ClinGen allele CA2392180801.

ClinVar aggregate classification (germline): Uncertain significance (1 of 4 stars; one submission).

Submission:

Labcorp Genetics (formerly Invitae), Labcorp
Classification: Uncertain significance. Last evaluated: 2021-04-30. Review status: criteria provided, single submitter. Criteria: Invitae Variant Classification Sherloc (09022015). Collection method: clinical testing. Allele origin: germline.
Comment: In summary, the available evidence is currently insufficient to determine the role of this variant in disease. Therefore, it has been classified as a Variant of Uncertain Significance. Nucleotide substitutions within the consensus splice site are a relatively common cause of aberrant splicing (PMID: 17576681, 9536098). Algorithms developed to predict the effect of sequence changes on RNA splicing suggest that this variant may disrupt the consensus splice site, but this prediction has not been confirmed by published transcriptional studies. This variant has not been reported in the literature in individuals with COL18A1-related conditions. This variant is not present in population databases (ExAC no frequency). This sequence change falls in intron 20 of the COL18A1 gene. It does not directly change the encoded amino acid sequence of the COL18A1 protein. It affects a nucleotide within the consensus splice site of the intron.

Literature cited by the submitters: PubMed 17576681; PubMed 9536098.